The following is an entry in ClinVar:

ClinVar aggregate classification (germline): Likely benign. Review status: criteria provided, multiple submitters, no conflicts (2 of 4 stars). 3 submissions from 3 submitters: Likely benign (2). 1 of the submissions does not count toward it. Last evaluated 2025-12-30.

Conditions:
PEX5-related disorder. Also called: PEX5-related condition; PEX5-Related Disorders.
Peroxisome biogenesis disorder 2B (PBD2B). Identifiers: Orphanet 44, MedGen C3550234, MONDO:0008736, OMIM 202370.

Allele frequency attached by ClinVar (database versions not stated): gnomAD exomes 0.00007; gnomAD 0.00008; ExAC 0.00009; TOPMed 0.00010.
gnomAD v4.1: 67 of 1,614,066 alleles (0.0042%); highest among the groups gnomAD compares: African/African-American, 0.011%; no homozygotes.

Submissions (3):

Labcorp Genetics (formerly Invitae), Labcorp
Classification: Likely benign for Peroxisome biogenesis disorder 2B. Last evaluated: 2025-12-30. Review status: criteria provided, single submitter. Criteria: Invitae Variant Classification Sherloc (09022015). Collection method: clinical testing. Allele origin: germline.

Blueprint Genetics
Classification: Likely benign. Last evaluated: 2024-10-10. Review status: criteria provided, single submitter. Criteria: ACMG Guidelines, 2015. Collection method: clinical testing. Allele origin: germline.

PreventionGenetics, part of Exact Sciences
Classification: Likely benign for PEX5-related condition. Last evaluated: 2023-11-01. Review status: no assertion criteria provided. Collection method: clinical testing. Allele origin: germline. Not counted in ClinVar's aggregate classification.
Comment: This variant is classified as likely benign based on ACMG/AMP sequence variant interpretation guidelines (Richards et al. 2015 PMID: 25741868, with internal and published modifications).

NM_001351132.2(PEX5):c.1869C>T (p.Ala623=)

Gene: PEX5 (peroxisomal biogenesis factor 5; plus strand). Cytogenetic location: 12p13.31.
Variant type: single nucleotide variant.
Coding change: c.1869C>T on transcript NM_001351132.2 (MANE Select); coding-DNA position 1869, C replaced by T.
Protein change: p.Ala623=; no amino-acid change (alanine 623 retained).
Molecular consequence: synonymous variant.
Genome position (GRCh38, 1-based): chr12:7,210,172, C>T. VCF-style: chr12-7210172-C-T. GRCh37 (hg19) VCF-style: chr12-7362768-C-T.
Other names: c.1845C>T, p.Ala615= (NM_000319.5); c.1914C>T, p.Ala638= (NM_001131023.2); c.1758C>T, p.Ala586= (NM_001131024.2, NM_001351124.3, NM_001351126.2 and 7 more transcripts); c.1869C>T, p.Ala623= (NM_001131025.2, NM_001131026.2, NM_001300789.3 and 4 more transcripts); c.1803C>T, p.Ala601= (NM_001351135.3, NM_001351138.2); c.1860C>T, p.Ala620= (NM_001351136.2); c.1734C>T, p.Ala578= (NM_001351139.2, NM_001351140.2, NM_001374649.2).
Identifiers: ClinVar variation 731761 (VCV000731761.12), dbSNP rs755919579, ClinGen allele CA6426607.